The following is an entry in ClinVar:

NM_004438.5(EPHA4):c.1397G>A (p.Arg466Gln)

Gene: EPHA4 (EPH receptor A4; minus strand). Cytogenetic location: 2q36.1.
Variant type: single nucleotide variant.
Coding change: c.1397G>A on transcript NM_004438.5 (MANE Select); coding-DNA position 1397, G replaced by A.
Protein change: p.Arg466Gln; replaces arginine 466 with glutamine.
Molecular consequence: missense variant.
Genome position (GRCh38, 1-based): chr2:221,457,912, C>T on the plus strand (G>A on the coding strand, the complement: EPHA4 is on the minus strand). VCF-style: chr2-221457912-C-T. GRCh37 (hg19) VCF-style: chr2-222322632-C-T.
Other names: c.1397G>A (NM_004438.3); c.1397G>A, p.Arg466Gln (NM_001304536.2, NM_001363748.2); c.1244G>A, p.Arg415Gln (NM_001304537.2); short protein forms R466Q, R415Q.
Identifiers: ClinVar variation 1484555 (VCV001484555.9), dbSNP rs375452175, ClinGen allele CA2135068.

ClinVar aggregate classification (germline): Uncertain significance. Review status: criteria provided, multiple submitters, no conflicts (2 of 4 stars). 2 submissions from 2 submitters: Uncertain significance (2). Last evaluated 2024-02-05.

Allele frequency attached by ClinVar (database versions not stated): TOPMed 0.00002; ExAC 0.00003; gnomAD exomes 0.00006 and 0.00008; gnomAD 0.00007; ESP Exome Variant Server 0.00008.
gnomAD v4.1: 92 of 1,613,664 alleles (0.0057%); highest among the groups gnomAD compares: South Asian, 0.0066%; no homozygotes.

Submissions (2):

Labcorp Genetics (formerly Invitae), Labcorp
Classification: Uncertain significance. Last evaluated: 2024-02-05. Review status: criteria provided, single submitter. Criteria: Invitae Variant Classification Sherloc (09022015). Collection method: clinical testing. Allele origin: germline.
Comment: This sequence change replaces arginine, which is basic and polar, with glutamine, which is neutral and polar, at codon 466 of the EPHA4 protein (p.Arg466Gln). This variant is present in population databases (rs375452175, gnomAD 0.05%). This variant has not been reported in the literature in individuals affected with EPHA4-related conditions. ClinVar contains an entry for this variant (Variation ID: 1484555). Advanced modeling of protein sequence and biophysical properties (such as structural, functional, and spatial information, amino acid conservation, physicochemical variation, residue mobility, and thermodynamic stability) performed at Invitae indicates that this missense variant is not expected to disrupt EPHA4 protein function with a negative predictive value of 80%. In summary, the available evidence is currently insufficient to determine the role of this variant in disease. Therefore, it has been classified as a Variant of Uncertain Significance.

Ambry Genetics
Classification: Uncertain significance. Last evaluated: 2021-08-12. Review status: criteria provided, single submitter. Criteria: Ambry Variant Classification Scheme 2023. Collection method: clinical testing. Allele origin: germline.